The following is an entry in ClinVar:

ClinVar aggregate classification (germline): Uncertain significance (1 of 4 stars; one submission).

Conditions:
Autoimmune interstitial lung disease-arthritis syndrome. Also called: Autoinflammation and autoimmunity, systemic, with immune dysregulation. Identifiers: Orphanet 444092, MedGen C5975714, MONDO:0014629.

Submission:

Labcorp Genetics (formerly Invitae), Labcorp
Classification: Uncertain significance for Autoimmune interstitial lung disease-arthritis syndrome. Last evaluated: 2023-08-05. Review status: criteria provided, single submitter. Criteria: Invitae Variant Classification Sherloc (09022015). Collection method: clinical testing. Allele origin: germline.
Comment: This variant has not been reported in the literature in individuals affected with COPA-related conditions. This variant is not present in population databases (gnomAD no frequency). This sequence change replaces glutamic acid, which is acidic and polar, with glutamine, which is neutral and polar, at codon 772 of the COPA protein (p.Glu772Gln). In summary, the available evidence is currently insufficient to determine the role of this variant in disease. Therefore, it has been classified as a Variant of Uncertain Significance. Advanced modeling of protein sequence and biophysical properties (such as structural, functional, and spatial information, amino acid conservation, physicochemical variation, residue mobility, and thermodynamic stability) performed at Invitae indicates that this missense variant is not expected to disrupt COPA protein function. ClinVar contains an entry for this variant (Variation ID: 1464948).

NM_004371.4(COPA):c.2314G>C (p.Glu772Gln)

Gene: COPA (coat protein complex I subunit alpha; minus strand). Cytogenetic location: 1q23.2.
Variant type: single nucleotide variant.
Coding change: c.2314G>C on transcript NM_004371.4 (MANE Select); coding-DNA position 2314, G replaced by C.
Protein change: p.Glu772Gln; replaces glutamic acid 772 with glutamine.
Molecular consequence: missense variant.
Genome position (GRCh38, 1-based): chr1:160,296,099, C>G on the plus strand (G>C on the coding strand, the complement: COPA is on the minus strand). VCF-style: chr1-160296099-C-G. GRCh37 (hg19) VCF-style: chr1-160265889-C-G.
Other names: c.2341G>C, p.Glu781Gln (NM_001098398.2); short protein forms E772Q, E781Q.
Identifiers: ClinVar variation 1464948 (VCV001464948.8), dbSNP rs1334352247, ClinGen allele CA343276753.
Genomic context (GRCh38, chr1:160,296,099, plus strand): 5'-AATTATGTAAATAAAGACTCACTGTCTCCTTCTCTGGGTCAAATGTCTCCTTTAGGCTCT[C>G]AGCTTCTTCATCTAAGCCATGGGTAGCAGCTGTGAGATAGGCCAGGGACTCTGTAGAGAA-3'
Protein context (NP_004362.2, residues 762-782): AATHGLDEEA[Glu772Gln]SLKETFDPEK